The following is an entry in ClinVar:

NM_001164665.2(KIAA1549):c.5119A>G (p.Thr1707Ala)

Gene: KIAA1549 (KIAA1549; minus strand). Cytogenetic location: 7q34.
Variant type: single nucleotide variant.
Coding change: c.5119A>G on transcript NM_001164665.2 (MANE Select); coding-DNA position 5119, A replaced by G.
Protein change: p.Thr1707Ala; replaces threonine 1707 with alanine.
Molecular consequence: missense variant.
Genome position (GRCh38, 1-based): chr7:138,861,267, T>C on the plus strand (A>G on the coding strand, the complement: KIAA1549 is on the minus strand). VCF-style: chr7-138861267-T-C. GRCh37 (hg19) VCF-style: chr7-138546013-T-C.
Other names: c.5119A>G, p.Thr1707Ala (NM_020910.3); short protein forms T1707A.
Identifiers: ClinVar variation 1039741 (VCV001039741.6), dbSNP rs1275341667, ClinGen allele CA369393780.

ClinVar aggregate classification (germline): Uncertain significance (1 of 4 stars; one submission).

Allele frequency attached by ClinVar (database versions not stated): gnomAD exomes below 0.00001; gnomAD 0.00001; TOPMed 0.00001.
gnomAD v4.1: 3 of 1,608,788 alleles (0.00019%); highest among the groups gnomAD compares: Admixed American, 0.0034%; no homozygotes.

Submission:

Labcorp Genetics (formerly Invitae), Labcorp
Classification: Uncertain significance. Last evaluated: 2022-07-12. Review status: criteria provided, single submitter. Criteria: Invitae Variant Classification Sherloc (09022015). Collection method: clinical testing. Allele origin: germline.
Comment: This sequence change replaces threonine, which is neutral and polar, with alanine, which is neutral and non-polar, at codon 1707 of the KIAA1549 protein (p.Thr1707Ala). This variant is present in population databases (no rsID available, gnomAD 0.004%). This variant has not been reported in the literature in individuals affected with KIAA1549-related conditions. ClinVar contains an entry for this variant (Variation ID: 1039741). Algorithms developed to predict the effect of missense changes on protein structure and function output the following: SIFT: "Tolerated"; PolyPhen-2: "Benign"; Align-GVGD: "Class C0". The alanine amino acid residue is found in multiple mammalian species, which suggests that this missense change does not adversely affect protein function. In summary, the available evidence is currently insufficient to determine the role of this variant in disease. Therefore, it has been classified as a Variant of Uncertain Significance.